The following is an entry in ClinVar:

NM_000091.5(COL4A3):c.4565G>A (p.Trp1522Ter)

Genes: COL4A3 (collagen type IV alpha 3 chain; plus strand), MFF-DT (MFF divergent transcript; minus strand). Cytogenetic location: 2q36.3.
Variant type: single nucleotide variant.
Coding change: c.4565G>A on transcript NM_000091.5 (MANE Select); coding-DNA position 4565, G replaced by A.
Protein change: p.Trp1522Ter; replaces tryptophan 1522 with a stop codon.
Molecular consequence: nonsense.
Genome position (GRCh38, 1-based): chr2:227,309,001, G>A. VCF-style: chr2-227309001-G-A. GRCh37 (hg19) VCF-style: chr2-228173717-G-A.
Other names: short protein forms W1522*.
Identifiers: ClinVar variation 4852336 (VCV004852336.1).

ClinVar aggregate classification (germline): Pathogenic (1 of 4 stars; one submission).

Conditions:
Autosomal dominant Alport syndrome (ATS3A). Also called: Alport syndrome dominant type; Renal failure and sensorineural hearing loss; ALPORT SYNDROME 3A, AUTOSOMAL DOMINANT. Identifiers: Orphanet 63, Orphanet 88918, MedGen C5882663, MONDO:0007086, OMIM 104200.

Submission:

MVZ Medizinische Genetik Mainz
Classification: Pathogenic for Autosomal dominant Alport syndrome. Last evaluated: 2026-04-14. Review status: criteria provided, single submitter. Criteria: UK Practice Guidelines For Variant Classification V4 01 2020. Collection method: clinical testing. Allele origin: germline. Inheritance: Autosomal recessive inheritance. Affected: yes. Observed: 1 variant allele.
Comment: ACMG Criteria: PVS1,PM2_SUP,PM3_SUP,PP4